The following is an entry in ClinVar:

ClinVar aggregate classification (germline): Uncertain significance (0 of 4 stars; one submission).

Submission:

Genetic Services Laboratory, University of Chicago
Classification: Uncertain significance. Last evaluated: 2022-09-01. Review status: no assertion criteria provided. Collection method: clinical testing. Allele origin: germline. Affected: no.
Comment: DNA sequence analysis of the VWF gene demonstrated a sequence change, c.5572C>T, in exon 32 that results in an amino acid change, p.Pro1858Ser. This sequence change does not appear to have been previously described in individuals with VWF-related disorders and has also not been described in population databases such as ExAC and gnomAD. The p.Pro1858Ser change affects a moderately conserved amino acid residue located in a domain of the VWF protein that is known to be functional. The p.Pro1858Ser substitution appears to be benign using several in-silico pathogenicity prediction tools (SIFT, PolyPhen2, Align GVGD, REVEL). Due to insufficient evidences and the lack of functional studies, the clinical significance of the p.Pro1858Ser change remains unknown at this time.

NM_000552.5(VWF):c.5572C>T (p.Pro1858Ser)

Gene: VWF (von Willebrand factor; minus strand). Cytogenetic location: 12p13.31.
Variant type: single nucleotide variant.
Coding change: c.5572C>T on transcript NM_000552.5 (MANE Select); coding-DNA position 5572, C replaced by T.
Protein change: p.Pro1858Ser; replaces proline 1858 with serine.
Molecular consequence: missense variant.
Genome position (GRCh38, 1-based): chr12:6,013,529, G>A on the plus strand (C>T on the coding strand, the complement: VWF is on the minus strand). VCF-style: chr12-6013529-G-A. GRCh37 (hg19) VCF-style: chr12-6122695-G-A.
Other names: short protein forms P1858S.
Identifiers: ClinVar variation 2443299 (VCV002443299.2), dbSNP rs2497499563, ClinGen allele CA383493680.
Genomic context (GRCh38, chr12:6,013,529, plus strand): 5'-TATAAGACTCACCAGAGCACAGTTTGTGGAGGAAGGAATTGCCCAAGGTGACCATGGTAG[G>A]GAGGTCTTCGATTCGCTGGAGCTTCACCACGTTGGAGTCGCCTGCTGGGCCTGCCAAGAT-3'
Protein context (NP_000543.3, residues 1848-1868): VVKLQRIEDL[Pro1858Ser]TMVTLGNSFL